The following is an entry in ClinVar:

ClinVar aggregate classification (germline): Uncertain significance (1 of 4 stars; one submission).

Submission:

Labcorp Genetics (formerly Invitae), Labcorp
Classification: Uncertain significance. Last evaluated: 2022-04-01. Review status: criteria provided, single submitter. Criteria: Invitae Variant Classification Sherloc (09022015). Collection method: clinical testing. Allele origin: germline.
Comment: In summary, the available evidence is currently insufficient to determine the role of this variant in disease. Therefore, it has been classified as a Variant of Uncertain Significance. Algorithms developed to predict the effect of missense changes on protein structure and function (SIFT, PolyPhen-2, Align-GVGD) all suggest that this variant is likely to be tolerated. This variant has not been reported in the literature in individuals affected with SLC41A1-related conditions. This variant is not present in population databases (gnomAD no frequency). This sequence change replaces histidine, which is basic and polar, with arginine, which is basic and polar, at codon 208 of the SLC41A1 protein (p.His208Arg).

NM_173854.6(SLC41A1):c.623A>G (p.His208Arg)

Gene: SLC41A1 (solute carrier family 41 member 1; minus strand). Cytogenetic location: 1q32.1.
Variant type: single nucleotide variant.
Coding change: c.623A>G on transcript NM_173854.6 (MANE Select); coding-DNA position 623, A replaced by G.
Protein change: p.His208Arg; replaces histidine 208 with arginine.
Molecular consequence: missense variant.
Genome position (GRCh38, 1-based): chr1:205,799,031, T>C on the plus strand (A>G on the coding strand, the complement: SLC41A1 is on the minus strand). VCF-style: chr1-205799031-T-C. GRCh37 (hg19) VCF-style: chr1-205768159-T-C.
Other names: short protein forms H208R.
Identifiers: ClinVar variation 1962963 (VCV001962963.5), dbSNP rs2526638594, ClinGen allele CA344434009.
Genomic context (GRCh38, chr1:205,799,031, plus strand): 5'-GCAATGAAGGCTGTGGCCACGCTGCTAGCACAGAGCAGGAAGGCGTGCGGAATACTGAAG[T>C]GGCCATCAGGGATCCAGCCAAAGACGACGGCTGCGATGGACGCCAGGAAGCCCACCACCG-3'
Protein context (NP_776253.3, residues 198-218): AVVFGWIPDG[His208Arg]FSIPHAFLLC